The following is an entry in ClinVar:

NM_005732.4(RAD50):c.2234A>G (p.Lys745Arg)

Gene: RAD50 (RAD50 double strand break repair protein; plus strand). Cytogenetic location: 5q31.1.
Variant type: single nucleotide variant.
Coding change: c.2234A>G on transcript NM_005732.4 (MANE Select); coding-DNA position 2234, A replaced by G.
Protein change: p.Lys745Arg; replaces lysine 745 with arginine.
Molecular consequence: missense variant.
Genome position (GRCh38, 1-based): chr5:132,603,326, A>G. VCF-style: chr5-132603326-A-G. GRCh37 (hg19) VCF-style: chr5-131939018-A-G.
Other names: short protein forms K745R.
Identifiers: ClinVar variation 408388 (VCV000408388.11), dbSNP rs1060501960, ClinGen allele CA16611835.
Genomic context (GRCh38, chr5:132,603,326, plus strand): 5'-AGATACTTTATTTTTAATTGTGTTTTCTATTTAGGCAAAGCATAATTGATTTGAAGGAGA[A>G]GGAAATACCAGAATTAAGAAACAAACTGCAGAATGTCAATAGAGACATACAGCGCCTAAA-3'
Protein context (NP_005723.2, residues 735-755): MRQSIIDLKE[Lys745Arg]EIPELRNKLQ

ClinVar aggregate classification (germline): Uncertain significance. Review status: criteria provided, multiple submitters, no conflicts (2 of 4 stars). 2 submissions from 2 submitters: Uncertain significance (2). Last evaluated 2022-11-26.

Conditions:
Hereditary cancer-predisposing syndrome. Also called: Hereditary Cancer Syndrome; Hereditary neoplastic syndrome; Neoplastic Syndromes, Hereditary; Tumor predisposition. Identifiers: Orphanet 140162, MedGen C0027672, MeSH D009386, MONDO:0015356.

Submissions (2):

Ambry Genetics
Classification: Uncertain significance for Hereditary cancer-predisposing syndrome. Last evaluated: 2022-11-26. Review status: criteria provided, single submitter. Criteria: Ambry Variant Classification Scheme 2023. Collection method: clinical testing. Allele origin: germline.
Comment: The p.K745R variant (also known as c.2234A>G), located in coding exon 14 of the RAD50 gene, results from an A to G substitution at nucleotide position 2234. The lysine at codon 745 is replaced by arginine, an amino acid with highly similar properties. This amino acid position is conserved. In addition, this alteration is predicted to be tolerated by in silico analysis. Since supporting evidence is limited at this time, the clinical significance of this alteration remains unclear.

Labcorp Genetics (formerly Invitae), Labcorp
Classification: Uncertain significance for Hereditary cancer-predisposing syndrome. Last evaluated: 2022-02-18. Review status: criteria provided, single submitter. Criteria: Invitae Variant Classification Sherloc (09022015). Collection method: clinical testing. Allele origin: germline.
Comment: ClinVar contains an entry for this variant (Variation ID: 408388). This variant has not been reported in the literature in individuals affected with RAD50-related conditions. This variant is not present in population databases (gnomAD no frequency). This sequence change replaces lysine, which is basic and polar, with arginine, which is basic and polar, at codon 745 of the RAD50 protein (p.Lys745Arg). Algorithms developed to predict the effect of missense changes on protein structure and function output the following: SIFT: "Tolerated"; PolyPhen-2: "Benign"; Align-GVGD: "Class C0". The arginine amino acid residue is found in multiple mammalian species, which suggests that this missense change does not adversely affect protein function. In summary, the available evidence is currently insufficient to determine the role of this variant in disease. Therefore, it has been classified as a Variant of Uncertain Significance.